The following is an entry in ClinVar:

ClinVar aggregate classification (germline): Likely benign. Review status: criteria provided, multiple submitters, no conflicts (2 of 4 stars). 3 submissions from 3 submitters: Likely benign (3). Last evaluated 2026-04-01.

Conditions:
Epileptic encephalopathy. Identifiers: MedGen C0543888, HP:0200134.

Allele frequency attached by ClinVar (database versions not stated): gnomAD exomes 0.00001; TOPMed 0.00005; gnomAD 0.00007 and 0.00011; ESP Exome Variant Server 0.00008.
gnomAD v4.1: 26 of 1,595,290 alleles (0.0016%); highest among the groups gnomAD compares: African/African-American, 0.033%; no homozygotes.

Submissions (3):

CeGaT Center for Human Genetics Tuebingen
Classification: Likely benign. Last evaluated: 2026-04-01. Review status: criteria provided, single submitter. Criteria: CeGaT Center For Human Genetics Tuebingen Variant Classification Criteria Version 2. Collection method: clinical testing. Allele origin: germline. Affected: yes. Observed: 1 variant allele.
Comment: GABBR2: BP4

Labcorp Genetics (formerly Invitae), Labcorp
Classification: Likely benign for Epileptic encephalopathy. Last evaluated: 2025-09-27. Review status: criteria provided, single submitter. Criteria: Invitae Variant Classification Sherloc (09022015). Collection method: clinical testing. Allele origin: germline.

Blueprint Genetics
Classification: Likely benign. Last evaluated: 2023-04-17. Review status: criteria provided, single submitter. Criteria: ACMG Guidelines, 2015. Collection method: clinical testing. Allele origin: germline.

NM_005458.8(GABBR2):c.631-8G>A

Genes: GABBR2 (gamma-aminobutyric acid type B receptor subunit 2; minus strand), LOC126860700 (CDK7 strongly-dependent group 2 enhancer GRCh37_chr9:101257622-101258821; plus strand). Cytogenetic location: 9q22.33.
Variant type: single nucleotide variant.
Coding change: c.631-8G>A on transcript NM_005458.8 (MANE Select); 8 bases into the intron before coding-DNA position 631, G replaced by A.
Molecular consequence: intron variant.
Genome position (GRCh38, 1-based): chr9:98,496,522, C>T on the plus strand (G>A on the coding strand, the complement: GABBR2 is on the minus strand). VCF-style: chr9-98496522-C-T. GRCh37 (hg19) VCF-style: chr9-101258804-C-T.
Identifiers: ClinVar variation 783255 (VCV000783255.13), dbSNP rs376229259, ClinGen allele CA197072037.